The following is an entry in ClinVar:

NM_001972.4(ELANE):c.782A>G (p.Asp261Gly)

Gene: ELANE (elastase, neutrophil expressed; plus strand). Cytogenetic location: 19p13.3.
Variant type: single nucleotide variant.
Coding change: c.782A>G on transcript NM_001972.4 (MANE Select); coding-DNA position 782, A replaced by G.
Protein change: p.Asp261Gly; replaces aspartic acid 261 with glycine.
Molecular consequence: missense variant.
Genome position (GRCh38, 1-based): chr19:856,142, A>G. VCF-style: chr19-856142-A-G. GRCh37 (hg19) VCF-style: chr19-856142-A-G.
Other names: short protein forms D261G.
Identifiers: ClinVar variation 2148828 (VCV002148828.4), dbSNP rs2512169570, ClinGen allele CA402919513.

ClinVar aggregate classification (germline): Uncertain significance (1 of 4 stars; one submission).

Conditions:
Neutropenia, severe congenital, 1, autosomal dominant. Identifiers: MedGen C1859966, MONDO:0042490, OMIM 202700.
Cyclical neutropenia. Also called: Cyclic hematopoiesis; Cyclic Neutropenia. Identifiers: Orphanet 2686, MedGen C0221023, MONDO:0008090, OMIM 162800, HP:0040289. Disease mechanism: loss of function.

Allele frequency attached by ClinVar (database versions not stated): gnomAD exomes below 0.00001.

Submission:

Labcorp Genetics (formerly Invitae), Labcorp
Classification: Uncertain significance for Neutropenia, severe congenital, 1, autosomal dominant; Cyclical neutropenia. Last evaluated: 2023-12-11. Review status: criteria provided, single submitter. Criteria: Invitae Variant Classification Sherloc (09022015). Collection method: clinical testing. Allele origin: germline.
Comment: This sequence change replaces aspartic acid, which is acidic and polar, with glycine, which is neutral and non-polar, at codon 261 of the ELANE protein (p.Asp261Gly). This variant is not present in population databases (gnomAD no frequency). This variant has not been reported in the literature in individuals affected with ELANE-related conditions. ClinVar contains an entry for this variant (Variation ID: 2148828). Advanced modeling of protein sequence and biophysical properties (such as structural, functional, and spatial information, amino acid conservation, physicochemical variation, residue mobility, and thermodynamic stability) has been performed at Invitae for this missense variant, however the output from this modeling did not meet the statistical confidence thresholds required to predict the impact of this variant on ELANE protein function. In summary, the available evidence is currently insufficient to determine the role of this variant in disease. Therefore, it has been classified as a Variant of Uncertain Significance.